The following is an entry in ClinVar:

NM_058216.3(RAD51C):c.875G>T (p.Arg292Ile)

Gene: RAD51C (RAD51 paralog C; plus strand). Cytogenetic location: 17q22.
Variant type: single nucleotide variant.
Coding change: c.875G>T on transcript NM_058216.3 (MANE Select); coding-DNA position 875, G replaced by T.
Protein change: p.Arg292Ile; replaces arginine 292 with isoleucine.
Molecular consequence: missense variant. On other transcripts: non-coding transcript variant (1).
Genome position (GRCh38, 1-based): chr17:58,720,783, G>T. VCF-style: chr17-58720783-G-T. GRCh37 (hg19) VCF-style: chr17-56798144-G-T.
Other names: short protein forms R292I.
Identifiers: ClinVar variation 4294403 (VCV004294403.2).

ClinVar aggregate classification (germline): Uncertain significance. Review status: criteria provided, multiple submitters, no conflicts (2 of 4 stars). 2 submissions from 2 submitters: Uncertain significance (2). Last evaluated 2026-03-11.

Conditions:
Hereditary cancer-predisposing syndrome. Also called: Neoplastic Syndromes, Hereditary; Tumor predisposition; Hereditary Cancer Syndrome; Hereditary neoplastic syndrome. Identifiers: Orphanet 140162, MedGen C0027672, MeSH D009386, MONDO:0015356.
Hereditary breast ovarian cancer syndrome. Also called: Hereditary breast and ovarian cancer syndrome; Hereditary breast and ovarian cancer; Hereditary breast and ovarian cancer syndrome (HBOC); Breast and ovarian cancer; Hereditary breast and/or ovarian cancer syndrome; BRCA1- and BRCA2-Associated Hereditary Breast and Ovarian Cancer. Identifiers: Orphanet 145, MedGen C0677776, MeSH D061325, MONDO:0003582. Disease mechanism: loss of function.

Submissions (2):

Ambry Genetics
Classification: Uncertain significance for Hereditary cancer-predisposing syndrome. Last evaluated: 2026-03-11. Review status: criteria provided, single submitter. Criteria: Ambry Variant Classification Scheme 2023. Collection method: clinical testing. Allele origin: germline.
Comment: The p.R292I variant (also known as c.875G>T), located in coding exon 6 of the RAD51C gene, results from a G to T substitution at nucleotide position 875. The arginine at codon 292 is replaced by isoleucine, an amino acid with similar properties. In a homology-directed DNA repair (HDR) assay, this alteration showed a functionally indeterminant read-out (Olvera-Le&oacute;n R et al. Cell, 2024 Oct;187:5719-5734.e19). This amino acid position is poorly conserved in available vertebrate species. In addition, this alteration is predicted to be tolerated by in silico analysis. Based on the available evidence, the clinical significance of this variant remains unclear.

Institute for Biomarker Research, Medical Diagnostic Laboratories, L.L.C.
Classification: Uncertain significance for Hereditary breast ovarian cancer syndrome. Last evaluated: 2025-10-14. Review status: criteria provided, single submitter. Criteria: ACMG Guidelines, 2015. Collection method: clinical testing. Allele origin: germline.
Comment: The missense variant NM_058216.3(RAD51C):c.875G>T (p.Arg292Ile) has not been reported previously as a pathogenic variant nor as a benign variant, to our knowledge. The p.Arg292Ile variant is novel (not in any individuals) in gnomAD. The p.Arg292Ile variant is novel (not in any individuals) in 1kG. There is a moderate physicochemical difference between arginine and isoleucine. For these reasons, this variant has been classified as Uncertain Significance.

Literature cited by the submitters: PubMed 39299233 (cited by Ambry Genetics).